The following is an entry in ClinVar:

ClinVar aggregate classification (germline): Uncertain significance (1 of 4 stars; one submission).

Submission:

GeneDx
Classification: Uncertain significance. Last evaluated: 2023-12-22. Review status: criteria provided, single submitter. Criteria: GeneDx Variant Classification Process June 2021. Collection method: clinical testing. Allele origin: germline. Affected: yes.
Comment: Not observed at significant frequency in large population cohorts (gnomAD); In-frame deletion of 1 amino acid in a non-repeat region; In silico analysis supports a deleterious effect on protein structure/function; Has not been previously published as pathogenic or benign to our knowledge

NM_031407.7(HUWE1):c.6794GCA[1] (p.Ser2266del)

Gene: HUWE1 (HECT, UBA and WWE domain containing E3 ubiquitin protein ligase 1; minus strand). Cytogenetic location: Xp11.22.
Variant type: Microsatellite.
Coding change: c.6794GCA[1] on transcript NM_031407.7 (MANE Select); one copy of the 3-base unit GCA starting at c.6794; the reference has two copies in a row; one copy, 3 bases deleted.
Protein change: p.Ser2266del; deletes serine 2266.
Molecular consequence: inframe deletion.
Genome position (GRCh38, 1-based): chrX:53,565,148-53,565,150, TGC deleted on the plus strand (GCA on the coding strand, the reverse complement: HUWE1 is on the minus strand); deleting any 3 consecutive bases within chrX:53,565,148-53,565,153 gives the same sequence; the position shown is the placement nearest the transcript's 3' end. VCF-style (leftmost placement, unchanged base first): chrX-53565147-TTGC-T. GRCh37 (hg19) VCF-style: chrX-53592108-TTGC-T.
Other names: short protein forms S2266del.
Identifiers: ClinVar variation 3370265 (VCV003370265.1).
Genomic context (GRCh38, chrX:53,565,147, plus strand): 5'-CTGGAATCTTGAGAGGCTCCTTGGGCATCCTGCTCAGACTTGTTCTTGCTAGAAGCACTC[TTGC>T]TGCCAAAAAGGCTACTGGGCTGGTTCACAATCCGGGAAAGTGTTTCCAAAGGCTTCAGAG-3'